The following is an entry in ClinVar:

ClinVar aggregate classification (germline): Likely benign. Review status: criteria provided, multiple submitters, no conflicts (2 of 4 stars). 2 submissions from 2 submitters: Likely benign (2). Last evaluated 2022-09-01.

Conditions:
Intellectual developmental disorder, X-linked, syndromic, Hedera type. Also called: Syndromic X-linked intellectual disability Hedera type. Identifiers: Orphanet 93952, MedGen C1845543, MONDO:0010319, OMIM 300423.

Allele frequency attached by ClinVar (database versions not stated): TOPMed below 0.00001; ExAC 0.00001; ESP Exome Variant Server 0.00009.
gnomAD v4.1: 3 of 1,209,154 alleles (0.00025%); highest among the groups gnomAD compares: Non-Finnish European, 0.00034%; no homozygotes.

Submissions (2):

CeGaT Center for Human Genetics Tuebingen
Classification: Likely benign. Last evaluated: 2022-09-01. Review status: criteria provided, single submitter. Criteria: CeGaT Center For Human Genetics Tuebingen Variant Classification Criteria Version 2. Collection method: clinical testing. Allele origin: germline. Affected: yes. Observed: 1 variant allele.
Comment: ATP6AP2: PM2:Supporting, BP4, BP7

Labcorp Genetics (formerly Invitae), Labcorp
Classification: Likely benign for Intellectual developmental disorder, X-linked, syndromic, Hedera type. Last evaluated: 2021-07-26. Review status: criteria provided, single submitter. Criteria: Invitae Variant Classification Sherloc (09022015). Collection method: clinical testing. Allele origin: germline.

NM_005765.3(ATP6AP2):c.51C>T (p.Asn17=)

Gene: ATP6AP2 (ATPase H+ transporting accessory protein 2; plus strand). Cytogenetic location: Xp11.4.
Variant type: single nucleotide variant.
Coding change: c.51C>T on transcript NM_005765.3 (MANE Select); coding-DNA position 51, C replaced by T.
Protein change: p.Asn17=; no amino-acid change (asparagine 17 retained).
Molecular consequence: synonymous variant.
Genome position (GRCh38, 1-based): chrX:40,588,999, C>T. VCF-style: chrX-40588999-C-T. GRCh37 (hg19) VCF-style: chrX-40448251-C-T.
Identifiers: ClinVar variation 1653981 (VCV001653981.37), dbSNP rs371701957, ClinGen allele CA10387155.
Genomic context (GRCh38, chrX:40,588,999, plus strand): 5'-TGATTTATGATGTTGATAATTCATTTACTGATCTGTTTTCTTTTCAGGTGTTTTGGGGAA[C>T]GAGTTTAGTATATTAAAATCACCAGGGTCTGTTGTTTTCCGAAATGGAAATTGGCCTATA-3'
Protein context (NP_005756.2, residues 7-27): LLALVAGVLG[Asn17=]EFSILKSPGS